The following is an entry in ClinVar:

NM_002397.5(MEF2C):c.1084G>T (p.Ala362Ser)

Gene: MEF2C (myocyte enhancer factor 2C; minus strand). Cytogenetic location: 5q14.3.
Variant type: single nucleotide variant.
Coding change: c.1084G>T on transcript NM_002397.5 (MANE Select); coding-DNA position 1084, G replaced by T.
Protein change: p.Ala362Ser; replaces alanine 362 with serine.
Molecular consequence: missense variant.
Genome position (GRCh38, 1-based): chr5:88,728,509, C>A on the plus strand (G>T on the coding strand, the complement: MEF2C is on the minus strand). VCF-style: chr5-88728509-C-A. GRCh37 (hg19) VCF-style: chr5-88024326-C-A.
Other names: c.1054G>T, p.Ala352Ser (NM_001131005.2, NM_001364343.2, NM_001364352.2); c.1114G>T, p.Ala372Ser (NM_001193347.1, NM_001364338.2); c.916G>T, p.Ala306Ser (NM_001193348.1); c.940G>T, p.Ala314Ser (NM_001193349.3, NM_001364332.2, NM_001364344.2 and 2 more transcripts); c.1084G>T, p.Ala362Ser (NM_001193350.2, NM_001363581.2, NM_001364329.2 and 9 more transcripts); c.1060G>T, p.Ala354Ser (NM_001308002.3, NM_001364333.2, NM_001364339.2 and 6 more transcripts); c.706G>T, p.Ala236Ser (NM_001364353.2, NM_001364356.2); c.634G>T, p.Ala212Ser (NM_001364357.2); short protein forms A212S, A306S, A314S, A362S, A352S, A372S, A236S, A354S.
Identifiers: ClinVar variation 1437206 (VCV001437206.9), dbSNP rs1481007836, ClinGen allele CA360422517.

ClinVar aggregate classification (germline): Uncertain significance. Review status: criteria provided, multiple submitters, no conflicts (2 of 4 stars). 2 submissions from 2 submitters: Uncertain significance (2). Last evaluated 2025-10-13.

Conditions:
Neurodevelopmental disorder with hypotonia, stereotypic hand movements, and impaired language. Also called: Intellectual disability, autosomal dominant 20. Identifiers: Orphanet 228384, Orphanet 664410, MedGen C3150700, MONDO:0013266, OMIM 613443.

Allele frequency attached by ClinVar (database versions not stated): gnomAD exomes below 0.00001.
gnomAD v4.1: 1 of 1,516,528 alleles (0.000066%); highest among the groups gnomAD compares: Non-Finnish European, 0.000089%; no homozygotes.

Submissions (2):

Labcorp Genetics (formerly Invitae), Labcorp
Classification: Uncertain significance for Neurodevelopmental disorder with hypotonia, stereotypic hand movements, and impaired language. Last evaluated: 2025-10-13. Review status: criteria provided, single submitter. Criteria: Invitae Variant Classification Sherloc (09022015). Collection method: clinical testing. Allele origin: germline.
Comment: This sequence change replaces alanine, which is neutral and non-polar, with serine, which is neutral and polar, at codon 362 of the MEF2C protein (p.Ala362Ser). This variant is not present in population databases (gnomAD no frequency). This variant has not been reported in the literature in individuals affected with MEF2C-related conditions. ClinVar contains an entry for this variant (Variation ID: 1437206). Invitae Evidence Modeling of protein sequence and biophysical properties (such as structural, functional, and spatial information, amino acid conservation, physicochemical variation, residue mobility, and thermodynamic stability) indicates that this missense variant is not expected to disrupt MEF2C protein function with a negative predictive value of 95%. In summary, the available evidence is currently insufficient to determine the role of this variant in disease. Therefore, it has been classified as a Variant of Uncertain Significance.

Blueprint Genetics
Classification: Uncertain significance. Last evaluated: 2024-03-27. Review status: criteria provided, single submitter. Criteria: ACMG Guidelines, 2015. Collection method: clinical testing. Allele origin: germline.